The following is an entry in ClinVar:

NM_006334.6(OLFM1):c.66+1247del

Gene: OLFM1 (olfactomedin 1; plus strand). Cytogenetic location: 9q34.3.
Variant type: Deletion.
Coding change: c.66+1247del on transcript NM_006334.6; 1247 bases into the intron after coding-DNA position 66, one base deleted (A; older notation c.66+1247delA).
Molecular consequence: intron variant.
Genome position (GRCh38, 1-based): chr9:135,077,049, A deleted. VCF-style (leftmost placement, unchanged base first): chr9-135077048-GA-G. GRCh37 (hg19) VCF-style: chr9-137968894-GA-G.
Other names: c.66+1247del (NM_014279.7).
Identifiers: ClinVar variation 2659707 (VCV002659707.22), dbSNP rs3841031, ClinGen allele CA5322023.

ClinVar aggregate classification (germline): Benign (1 of 4 stars; one submission).

Allele frequency attached by ClinVar (database versions not stated): gnomAD exomes 0.00314; ExAC 0.01569; 1000 Genomes Project 0.01797; TOPMed 0.00836; gnomAD 0.01055; 1000 Genomes Project 30x 0.01733.

Submission:

CeGaT Center for Human Genetics Tuebingen
Classification: Benign. Last evaluated: 2022-07-01. Review status: criteria provided, single submitter. Criteria: CeGaT Center For Human Genetics Tuebingen Variant Classification Criteria Version 2. Collection method: clinical testing. Allele origin: germline. Affected: yes. Observed: 1 variant allele.
Comment: OLFM1: BS1, BS2